The following is an entry in ClinVar:

NM_000186.4(CFH):c.575G>T (p.Cys192Phe)

Gene: CFH (complement factor H; plus strand). Cytogenetic location: 1q31.3.
Variant type: single nucleotide variant.
Coding change: c.575G>T on transcript NM_000186.4 (MANE Select); coding-DNA position 575, G replaced by T.
Protein change: p.Cys192Phe; replaces cysteine 192 with phenylalanine.
Molecular consequence: missense variant.
Genome position (GRCh38, 1-based): chr1:196,677,623, G>T. VCF-style: chr1-196677623-G-T. GRCh37 (hg19) VCF-style: chr1-196646753-G-T.
Other names: c.575G>T, p.Cys192Phe (NM_001014975.3); short protein forms C192F.
Identifiers: ClinVar variation 4291300 (VCV004291300.1).
Genomic context (GRCh38, chr1:196,677,623, plus strand): 5'-AAGCAGTACGGTTTGTATGTAACTCAGGCTACAAGATTGAAGGAGATGAAGAAATGCATT[G>T]TTCAGACGATGGTTTTTGGAGTAAAGAGAAACCAAAGTGTGTGGGTAAGATACACTTACT-3'
Protein context (NP_000177.2, residues 182-202): YKIEGDEEMH[Cys192Phe]SDDGFWSKEK

ClinVar aggregate classification (germline): Likely pathogenic (1 of 4 stars; one submission).

Conditions:
Age related macular degeneration 4. Identifiers: MedGen C1853147, MONDO:0012540, OMIM 610698.

Submission:

Genomenon, Inc
Classification: Likely pathogenic for Age related macular degeneration 4. Last evaluated: 2025-10-02. Review status: criteria provided, single submitter. Criteria: Genomenon Sequence Variant Interpretation Standards - Updated. Collection method: curation. Allele origin: germline. Affected: yes.
Comment: CFH p.Cys192Phe (c.575G>T) is a missense variant that changes the amino acid at residue 192 from Cysteine to Phenylalanine. This variant has been observed in at least one proband affected with age-related macular degeneration (PMID:29686068;26501415;27572114). The variant was found to segregate with disease in at least one affected family (PMID:27572114). It is absent or not present at a significant frequency in gnomAD. In silico models agree that this variant is possibly or probably damaging. In conclusion, we classify CFH p.Cys192Phe (c.575G>T) as a likely pathogenic variant.

Literature cited by the submitters: PubMed 29686068; PubMed 26501415; PubMed 27572114.